The following is an entry in ClinVar:

NM_177438.3(DICER1):c.5743A>G (p.Asn1915Asp)

Gene: DICER1 (dicer 1, ribonuclease III; minus strand). Cytogenetic location: 14q32.13.
Variant type: single nucleotide variant.
Coding change: c.5743A>G on transcript NM_177438.3 (MANE Select); coding-DNA position 5743, A replaced by G.
Protein change: p.Asn1915Asp; replaces asparagine 1915 with aspartic acid.
Molecular consequence: missense variant. On other transcripts: non-coding transcript variant (6), 3 prime UTR variant (1).
Genome position (GRCh38, 1-based): chr14:95,090,524, T>C on the plus strand (A>G on the coding strand, the complement: DICER1 is on the minus strand). VCF-style: chr14-95090524-T-C. GRCh37 (hg19) VCF-style: chr14-95556861-T-C.
Other names: c.*90A>G (NM_001195573.1); c.5743A>G, p.Asn1915Asp (NM_001271282.3, NM_001291628.2, NM_001395677.1 and 8 more transcripts); c.5461A>G, p.Asn1821Asp (NM_001395686.1); c.5338A>G, p.Asn1780Asp (NM_001395687.1, NM_001395688.1, NM_001395689.1 and 1 more transcripts); c.5176A>G, p.Asn1726Asp (NM_001395691.1); c.4060A>G, p.Asn1354Asp (NM_001395697.1); short protein forms N1780D, N1821D, N1354D, N1726D, N1915D.
Identifiers: ClinVar variation 2996392 (VCV002996392.3), dbSNP rs2542389849, ClinGen allele CA390862954.

ClinVar aggregate classification (germline): Uncertain significance (1 of 4 stars; one submission).

Conditions:
DICER1-related tumor predisposition. Also called: DICER1 syndrome; DICER1-related pleuropulmonary blastoma cancer predisposition syndrome. Identifiers: Orphanet 284343, MedGen C3839822, MONDO:0100216.

Submission:

Labcorp Genetics (formerly Invitae), Labcorp
Classification: Uncertain significance for DICER1-related tumor predisposition. Last evaluated: 2023-08-07. Review status: criteria provided, single submitter. Criteria: Invitae Variant Classification Sherloc (09022015). Collection method: clinical testing. Allele origin: germline.
Comment: In summary, the available evidence is currently insufficient to determine the role of this variant in disease. Therefore, it has been classified as a Variant of Uncertain Significance. An algorithm developed to predict the effect of missense changes on protein structure and function (PolyPhen-2) suggests that this variant is likely to be tolerated. This variant has not been reported in the literature in individuals affected with DICER1-related conditions. This variant is not present in population databases (gnomAD no frequency). This sequence change replaces asparagine, which is neutral and polar, with aspartic acid, which is acidic and polar, at codon 1915 of the DICER1 protein (p.Asn1915Asp).